The following is an entry in ClinVar:

ClinVar aggregate classification (germline): Likely benign (1 of 4 stars; one submission).

Allele frequency attached by ClinVar (database versions not stated): gnomAD exomes 0.00001.
gnomAD v4.1: 5 of 1,613,584 alleles (0.00031%); highest among the groups gnomAD compares: Non-Finnish European, 0.00042%; no homozygotes.

Submission:

ARUP Laboratories, Molecular Genetics and Genomics, ARUP Laboratories
Classification: Likely benign. Last evaluated: 2018-01-24. Review status: criteria provided, single submitter. Criteria: ARUP Molecular Germline Variant Investigation Process. Collection method: clinical testing. Allele origin: germline.
Comment: The USH2A c.6462G>A; p.Leu2154Leu variant is not reported in the medical literature, in gene-specific databases, or in the ClinVar database. The variant is not listed in the dbSNP variant database or in the population databases (Exome Variant Server, Genome Aggregation Database), indicating it is not a common polymorphism. This is a silent variant, the nucleotide at this position is well conserved across species, but computational algorithms (SpliceSiteFinder-like, MaxEntScan, NNSplice, GeneSplicer, Human Splicing Finder) do not predict any change to the conserved splicing signals. Based on available information, we consider this variant likely benign.

NM_206933.4(USH2A):c.6462G>A (p.Leu2154=)

Gene: USH2A (usherin; minus strand). Cytogenetic location: 1q41.
Variant type: single nucleotide variant.
Coding change: c.6462G>A on transcript NM_206933.4 (MANE Select); coding-DNA position 6462, G replaced by A.
Protein change: p.Leu2154=; no amino-acid change (leucine 2154 retained).
Molecular consequence: synonymous variant.
Genome position (GRCh38, 1-based): chr1:216,000,426, C>T on the plus strand (G>A on the coding strand, the complement: USH2A is on the minus strand). VCF-style: chr1-216000426-C-T. GRCh37 (hg19) VCF-style: chr1-216173768-C-T.
Identifiers: ClinVar variation 618478 (VCV000618478.8), dbSNP rs1558203898, ClinGen allele CA423319926.